The following is an entry in ClinVar:

ClinVar aggregate classification (germline): Likely pathogenic (1 of 4 stars; one submission).

Conditions:
Mitochondrial neurogastrointestinal encephalomyopathy. Also called: Mitochondrial neurogastrointestinal encephalopathy syndrome; MNGIE syndrome; Thymidine phosphorylase deficiency. Identifiers: Orphanet 298, MedGen C0872218, MONDO:0017575.

Submission:

Natera, Inc.
Classification: Likely pathogenic for Mitochondrial neurogastrointestinal encephalomyopathy. Last evaluated: 2024-08-06. Review status: criteria provided, single submitter. Criteria: Natera Variant Classification Schema (03/2026). Collection method: clinical testing. Allele origin: germline.
Comment: The c.1372del variant in TYMP is a frameshift variant predicted to elongate the protein beyond the termination codon. This variant is expected to result in nonsense mediated decay, truncation, or a dysfunctional protein product. This variant is rare in the general population with a frequency below the threshold expected for the associated phenotype(s). Given the available evidence, this variant is classified as Likely Pathogenic.

NM_001953.5(TYMP):c.1372del (p.Ala458fs)

Genes: SCO2 (synthesis of cytochrome C oxidase 2; minus strand), TYMP (thymidine phosphorylase; minus strand), LOC130067862 (ATAC-STARR-seq lymphoblastoid silent region 13986; plus strand). Cytogenetic location: 22q13.33.
Variant type: Deletion.
Coding change: c.1372del on transcript NM_001953.5 (MANE Select); coding-DNA position 1372, one base deleted (G; older notation c.1372delG).
Protein change: p.Ala458fs; shifts the reading frame from alanine 458.
Molecular consequence: frameshift variant. On other transcripts: intron variant (2).
Genome position (GRCh38, 1-based): chr22:50,525,847, C deleted on the plus strand (G on the coding strand, the reverse complement: TYMP is on the minus strand); the first of 2 consecutive C bases (chr22:50,525,847-50,525,848); deleting either gives the same sequence. VCF-style (leftmost placement, unchanged base first): chr22-50525846-GC-G. GRCh37 (hg19) VCF-style: chr22-50964275-GC-G.
Other names: c.1372del, p.Ala458fs (NM_001113755.3, NM_001113756.3, NM_001257988.1); c.1387del, p.Ala463fs (NM_001257989.1); c.-14+399del (NM_001169109.2); c.-14+154del (NM_001169110.1); short protein forms A458fs, A463fs.
Identifiers: ClinVar variation 4814985 (VCV004814985.1).